The following is an entry in ClinVar:

NM_000059.4(BRCA2):c.7334G>C (p.Ser2445Thr)

Gene: BRCA2 (BRCA2 DNA repair associated; plus strand). Cytogenetic location: 13q13.1.
Variant type: single nucleotide variant.
Coding change: c.7334G>C on transcript NM_000059.4 (MANE Select); coding-DNA position 7334, G replaced by C.
Protein change: p.Ser2445Thr; replaces serine 2445 with threonine.
Molecular consequence: missense variant.
Genome position (GRCh38, 1-based): chr13:32,355,187, G>C. VCF-style: chr13-32355187-G-C. GRCh37 (hg19) VCF-style: chr13-32929324-G-C.
Other names: c.7238G>C, p.Ser2413Thr (NM_001406719.1); c.7334G>C, p.Ser2445Thr (NM_001406720.1); c.2402G>C, p.Ser801Thr (NM_001406721.1); c.917G>C, p.Ser306Thr (NM_001406722.1); short protein forms S306T, S2445T, S801T, S2413T.
Identifiers: ClinVar variation 1758392 (VCV001758392.9), dbSNP rs2072682728, ClinGen allele CA387741223.
Genomic context (GRCh38, chr13:32,355,187, plus strand): 5'-ATATTAACTTGGAGGAAAACAGACAAAAGCAAAACATTGATGGACATGGCTCTGATGATA[G>C]TAAAAATAAGATTAATGACAATGAGATTCATCAGTTTAACAAAAACAACTCCAATCAAGC-3'
Protein context (NP_000050.3, residues 2435-2455): QNIDGHGSDD[Ser2445Thr]KNKINDNEIH

ClinVar aggregate classification (germline): Conflicting classifications of pathogenicity. Review status: criteria provided, conflicting classifications (1 of 4 stars). 3 submissions from 3 submitters: Uncertain significance (2); Likely benign (1). Last evaluated 2024-08-07.

Conditions:
Hereditary cancer-predisposing syndrome. Also called: Neoplastic Syndromes, Hereditary; Tumor predisposition; Hereditary Cancer Syndrome; Hereditary neoplastic syndrome. Identifiers: Orphanet 140162, MedGen C0027672, MeSH D009386, MONDO:0015356.
Hereditary breast ovarian cancer syndrome. Also called: Hereditary breast and/or ovarian cancer syndrome; Hereditary breast and ovarian cancer syndrome; Breast and ovarian cancer; Hereditary breast and ovarian cancer; BRCA1- and BRCA2-Associated Hereditary Breast and Ovarian Cancer; Hereditary breast and ovarian cancer syndrome (HBOC). Identifiers: Orphanet 145, MedGen C0677776, MeSH D061325, MONDO:0003582. Disease mechanism: loss of function.
Familial cancer of breast. Also called: Hereditary breast cancer; BREAST CANCER, FAMILIAL; hereditary breast carcinoma. Identifiers: Orphanet 227535, MedGen C0346153, MONDO:0016419, OMIM 114480. Disease mechanism: loss of function.

Submissions (3):

Ambry Genetics
Classification: Likely benign for Hereditary cancer-predisposing syndrome. Last evaluated: 2024-08-07. Review status: criteria provided, single submitter. Criteria: Ambry Variant Classification Scheme 2023. Collection method: clinical testing. Allele origin: germline.

Baylor Genetics
Classification: Uncertain significance for Familial cancer of breast. Last evaluated: 2024-01-30. Review status: criteria provided, single submitter. Criteria: ACMG Guidelines, 2015. Collection method: clinical testing. Allele origin: unknown.

Labcorp Genetics (formerly Invitae), Labcorp
Classification: Uncertain significance for Hereditary breast ovarian cancer syndrome. Last evaluated: 2022-05-24. Review status: criteria provided, single submitter. Criteria: Invitae Variant Classification Sherloc (09022015). Collection method: clinical testing. Allele origin: germline.
Comment: In summary, the available evidence is currently insufficient to determine the role of this variant in disease. Therefore, it has been classified as a Variant of Uncertain Significance. Advanced modeling of protein sequence and biophysical properties (such as structural, functional, and spatial information, amino acid conservation, physicochemical variation, residue mobility, and thermodynamic stability) performed at Invitae indicates that this missense variant is not expected to disrupt BRCA2 protein function. This variant has not been reported in the literature in individuals affected with BRCA2-related conditions. This variant is not present in population databases (gnomAD no frequency). This sequence change replaces serine, which is neutral and polar, with threonine, which is neutral and polar, at codon 2445 of the BRCA2 protein (p.Ser2445Thr).